The following is an entry in ClinVar:

ClinVar aggregate classification (germline): Pathogenic/Likely pathogenic. Review status: criteria provided, multiple submitters, no conflicts (2 of 4 stars). 2 submissions from 2 submitters: Pathogenic (1); Likely pathogenic (1). Last evaluated 2025-09-10.

Conditions:
Autosomal recessive distal spinal muscular atrophy 1. Also called: Spinal muscular atrophy with respiratory distress 1; NEURONOPATHY, DISTAL HEREDITARY MOTOR, HARDING TYPE VI; NEUROPATHY, DISTAL HEREDITARY MOTOR, AUTOSOMAL RECESSIVE 1; NEURONOPATHY, SEVERE INFANTILE AXONAL, WITH RESPIRATORY FAILURE; HMN VI; SEVERE INFANTILE AXONAL NEUROPATHY WITH RESPIRATORY FAILURE. Identifiers: Orphanet 98920, MedGen C1858517, MONDO:0011436, OMIM 604320.
Charcot-Marie-Tooth disease axonal type 2S. Also called: CHARCOT-MARIE-TOOTH DISEASE, AXONAL, AUTOSOMAL RECESSIVE, TYPE 2S; CHARCOT-MARIE-TOOTH NEUROPATHY, TYPE 2S. Identifiers: Orphanet 443073, MedGen C4015349, MONDO:0014511, OMIM 616155.

gnomAD v4.1: 2 of 1,614,016 alleles (0.00012%); highest among the groups gnomAD compares: East Asian, 0.0045%; no homozygotes.

Submissions (2):

Labcorp Genetics (formerly Invitae), Labcorp
Classification: Pathogenic for Autosomal recessive distal spinal muscular atrophy 1; Charcot-Marie-Tooth disease axonal type 2S. Last evaluated: 2025-09-10. Review status: criteria provided, single submitter. Criteria: Invitae Variant Classification Sherloc (09022015). Collection method: clinical testing. Allele origin: germline.
Comment: This sequence change replaces leucine, which is neutral and non-polar, with arginine, which is basic and polar, at codon 577 of the IGHMBP2 protein (p.Leu577Arg). This variant is present in population databases (no rsID available, gnomAD 0.06%). This missense change has been observed in individual(s) with IGHMBP2-related conditions (PMID: 25280635; internal data). In at least one individual the data is consistent with being in trans (on the opposite chromosome) from a pathogenic variant. ClinVar contains an entry for this variant (Variation ID: 1066593). Invitae Evidence Modeling of protein sequence and biophysical properties (such as structural, functional, and spatial information, amino acid conservation, physicochemical variation, residue mobility, and thermodynamic stability) has been performed for this missense variant. However, the output from this modeling did not meet the statistical confidence thresholds required to predict the impact of this variant on IGHMBP2 protein function. This variant disrupts the p.Leu577 amino acid residue in IGHMBP2. Other variant(s) that disrupt this residue have been determined to be pathogenic (PMID: 14681881, 15108294, 22157136). This suggests that this residue is clinically significant, and that variants that disrupt this residue are likely to be disease-causing. For these reasons, this variant has been classified as Pathogenic.

Women's Health and Genetics/Laboratory Corporation of America, LabCorp
Classification: Likely pathogenic for Autosomal recessive distal spinal muscular atrophy 1. Last evaluated: 2025-06-26. Review status: criteria provided, single submitter. Criteria: LabCorp Variant Classification Summary - May 2015. Collection method: clinical testing. Allele origin: germline.
Comment: Variant summary: IGHMBP2 c.1730T>G (p.Leu577Arg) results in a non-conservative amino acid change located in the DNA2/NAM7 helicase-like, C-terminal domain (IPR041679) of the encoded protein sequence. Algorithms developed to predict the effect of missense changes on protein structure and function all suggest that this variant is likely to be disruptive. The variant was absent in 251442 control chromosomes. c.1730T>G has been observed in individual(s) affected with Autosomal Recessive Distal Spinal Muscular Atrophy 1 (Han_2015, Internal data). These data indicate that the variant may be associated with disease. Other variant(s) that disrupt this residue have been determined to be pathogenic (Variation ID: 522868). The following publication has been ascertained in the context of this evaluation (PMID: 25280635). ClinVar contains an entry for this variant (Variation ID: 1066593). Based on the evidence outlined above, the variant was classified as likely pathogenic.

Literature cited by the submitters: PubMed 25280635 (cited by Labcorp Genetics (formerly Invitae), Labcorp and Women's Health and Genetics/Laboratory Corporation of America, LabCorp); PubMed 14681881 (cited by Labcorp Genetics (formerly Invitae), Labcorp); PubMed 15108294 (cited by Labcorp Genetics (formerly Invitae), Labcorp); PubMed 22157136 (cited by Labcorp Genetics (formerly Invitae), Labcorp).

NM_002180.3(IGHMBP2):c.1730T>G (p.Leu577Arg)

Gene: IGHMBP2 (immunoglobulin mu DNA binding protein 2; plus strand). Cytogenetic location: 11q13.3.
Variant type: single nucleotide variant.
Coding change: c.1730T>G on transcript NM_002180.3 (MANE Select); coding-DNA position 1730, T replaced by G.
Protein change: p.Leu577Arg; replaces leucine 577 with arginine.
Molecular consequence: missense variant.
Genome position (GRCh38, 1-based): chr11:68,935,396, T>G. VCF-style: chr11-68935396-T-G. GRCh37 (hg19) VCF-style: chr11-68702864-T-G.
Other names: short protein forms L577R.
Identifiers: ClinVar variation 1066593 (VCV001066593.9), dbSNP rs1483165002, ClinGen allele CA381651276.